The following is an entry in ClinVar:

ClinVar aggregate classification (germline): Conflicting classifications of pathogenicity. Review status: criteria provided, conflicting classifications (1 of 4 stars). 8 submissions from 8 submitters: Uncertain significance (6); Likely benign (2). Last evaluated 2026-08-06.

Conditions:
Monogenic short statue.
BRIP1-related disorder. Also called: BRIP1-related condition; BRIP1-related disorders. Identifiers: MedGen CN239206.
Familial cancer of breast. Also called: Hereditary breast cancer; BREAST CANCER, FAMILIAL; hereditary breast carcinoma. Identifiers: Orphanet 227535, MedGen C0346153, MONDO:0016419, OMIM 114480. Disease mechanism: loss of function.
Fanconi anemia complementation group J. Also called: BRIP1-Related Fanconi Anemia. Identifiers: Orphanet 84, MedGen C1836860, MONDO:0012187, OMIM 609054.
Hereditary cancer-predisposing syndrome. Also called: Neoplastic Syndromes, Hereditary; Tumor predisposition; Hereditary neoplastic syndrome; Hereditary Cancer Syndrome. Identifiers: Orphanet 140162, MedGen C0027672, MeSH D009386, MONDO:0015356.

Allele frequency attached by ClinVar (database versions not stated): ExAC 0.00001; gnomAD exomes 0.00002; TOPMed 0.00002; ESP Exome Variant Server 0.00008.
gnomAD v4.1: 29 of 1,612,944 alleles (0.0018%); highest among the groups gnomAD compares: Non-Finnish European, 0.0025%; no homozygotes.

Submissions (8):

NHS Central & South Genomic Laboratory Hub
Classification: Uncertain significance for Monogenic short statue. Last evaluated: 2026-08-06. Review status: criteria provided, single submitter. Criteria: ACMG Guidelines, 2015. Collection method: clinical testing. Allele origin: germline. Affected: yes.

Labcorp Genetics (formerly Invitae), Labcorp
Classification: Uncertain significance for Familial cancer of breast; Fanconi anemia complementation group J. Last evaluated: 2026-01-10. Review status: criteria provided, single submitter. Criteria: Invitae Variant Classification Sherloc (09022015). Collection method: clinical testing. Allele origin: germline.
Comment: This sequence change replaces histidine, which is basic and polar, with arginine, which is basic and polar, at codon 213 of the BRIP1 protein (p.His213Arg). This variant is present in population databases (rs376760085, gnomAD 0.004%). This variant has not been reported in the literature in individuals affected with BRIP1-related conditions. ClinVar contains an entry for this variant (Variation ID: 186617). Invitae Evidence Modeling of protein sequence and biophysical properties (such as structural, functional, and spatial information, amino acid conservation, physicochemical variation, residue mobility, and thermodynamic stability) indicates that this missense variant is not expected to disrupt BRIP1 protein function with a negative predictive value of 95%. In summary, the available evidence is currently insufficient to determine the role of this variant in disease. Therefore, it has been classified as a Variant of Uncertain Significance.

Color Diagnostics, LLC DBA Color Health
Classification: Likely benign for Hereditary cancer-predisposing syndrome. Last evaluated: 2025-09-08. Review status: criteria provided, single submitter. Criteria: ACMG Guidelines, 2015. Collection method: clinical testing. Allele origin: germline.

PreventionGenetics, part of Exact Sciences
Classification: Uncertain significance for BRIP1-related condition. Last evaluated: 2025-09-02. Review status: criteria provided, single submitter. Criteria: ACMG Guidelines, 2015. Collection method: clinical testing. Allele origin: germline.
Comment: The BRIP1 c.638A>G variant is predicted to result in the amino acid substitution p.His213Arg. To our knowledge, this variant has not been reported in the literature. This variant is reported in 0.0035% of alleles in individuals of European (Non-Finnish) descent in gnomAD. This variant has interpretations of uncertain significance and likely benign in ClinVar (Variation ID: 186617). At this time, the clinical significance of this variant is uncertain due to the absence of conclusive functional and genetic evidence.

Ambry Genetics
Classification: Likely benign for Hereditary cancer-predisposing syndrome. Last evaluated: 2024-11-01. Review status: criteria provided, single submitter. Criteria: Ambry Variant Classification Scheme 2023. Collection method: clinical testing. Allele origin: germline.

Baylor Genetics
Classification: Uncertain significance for Familial cancer of breast. Last evaluated: 2023-10-23. Review status: criteria provided, single submitter. Criteria: ACMG Guidelines, 2015. Collection method: clinical testing. Allele origin: unknown.

Women's Health and Genetics/Laboratory Corporation of America, LabCorp
Classification: Uncertain significance. Last evaluated: 2021-02-05. Review status: criteria provided, single submitter. Criteria: LabCorp Variant Classification Summary - May 2015. Collection method: clinical testing. Allele origin: germline.
Comment: Variant summary: BRIP1 c.638A>G (p.His213Arg) results in a non-conservative amino acid change located in the Helicase superfamily 1/2, ATP-binding domain of the encoded protein sequence. Four of five in-silico tools predict a benign effect of the variant on protein function. The variant allele was found at a frequency of 1.6e-05 in 249704 control chromosomes (gnomAD). The available data on variant occurrences in the general population are insufficient to allow any conclusion about variant significance. To our knowledge, no occurrence of c.638A>G in individuals affected with Hereditary Breast And Ovarian Cancer Syndrome and no experimental evidence demonstrating its impact on protein function have been reported. Four ClinVar submitters (evaluation after 2014) cite the variant as uncertain significance. Based on the evidence outlined above, the variant was classified as uncertain significance.

GeneDx
Classification: Uncertain significance. Last evaluated: 2018-04-12. Review status: criteria provided, single submitter. Criteria: GeneDx Variant Classification (06012015). Collection method: clinical testing. Allele origin: germline. Affected: yes.
Comment: This variant is denoted BRIP1 c.638A>G at the cDNA level, p.His213Arg (H213R) at the protein level, and results in the change of a Histidine to an Arginine (CAC>CGC). This variant has not, to our knowledge, been published in the literature as pathogenic or benign. BRIP1 His213Arg was not observed at a significant allele frequency in large population cohorts (Lek 2016). This variant is not located in a known functional domain. In silico analysis, which includes protein predictors and evolutionary conservation, supports that this variant does not alter protein structure/function. Based on currently available evidence, it is unclear whether BRIP1 His213Arg is a pathogenic or benign variant. We consider it to be a variant of uncertain significance.

Literature cited by the submitters: PubMed 29338072 (cited by Women's Health and Genetics/Laboratory Corporation of America, LabCorp).

NM_032043.3(BRIP1):c.638A>G (p.His213Arg)

Gene: BRIP1 (BRCA1 interacting DNA helicase 1; minus strand). Cytogenetic location: 17q23.2.
Variant type: single nucleotide variant.
Coding change: c.638A>G on transcript NM_032043.3 (MANE Select); coding-DNA position 638, A replaced by G.
Protein change: p.His213Arg; replaces histidine 213 with arginine.
Molecular consequence: missense variant.
Genome position (GRCh38, 1-based): chr17:61,808,747, T>C on the plus strand (A>G on the coding strand, the complement: BRIP1 is on the minus strand). VCF-style: chr17-61808747-T-C. GRCh37 (hg19) VCF-style: chr17-59886108-T-C.
Other names: short protein forms H213R.
Identifiers: ClinVar variation 186617 (VCV000186617.26), dbSNP rs376760085, ClinGen allele CA195347.
Genomic context (GRCh38, chr17:61,808,747, plus strand): 5'-ATGGTATTCGATGACTCTTGACTGTTTCCTTGTTTAGTAGAACAACAGCACCTAGAACAG[T>C]GGCCAGGGGGCTGTAAGAAAGGAAAGAAACGATAACTAATATCTAAACTACCATAAAAAA-3'
Protein context (NP_114432.2, residues 203-223): NSFSPQKPPG[His213Arg]CSRCCCSTKQ